The following is an entry in ClinVar:

ClinVar aggregate classification (germline): Pathogenic (1 of 4 stars; one submission).

Conditions:
Exostoses, multiple, type 2 (EXT2). Also called: Hereditary Multiple Osteochondromatosis, Type II; EXOSTOSES, MULTIPLE, TYPE II. Identifiers: Orphanet 321, MedGen C1851413, MONDO:0007586, OMIM 133701.

Submission:

Labcorp Genetics (formerly Invitae), Labcorp
Classification: Pathogenic for Multiple exostoses type 2. Last evaluated: 2019-03-31. Review status: criteria provided, single submitter. Criteria: Invitae Variant Classification Sherloc (09022015). Collection method: clinical testing. Allele origin: germline.
Comment: This variant is a gross deletion of the genomic region encompassing exons 2-7 of the EXT2 gene, which includes the initiator codon. The 5' end of this event is unknown as it extends beyond the assayed region for this gene and therefore may encompass additional genes. The 3' boundary is likely confined to intron 7 of the EXT2 gene. This is expected to result in an absent or disrupted protein product. This variant has not been reported in the literature in individuals with EXT2-related disease. Loss-of-function variants in EXT2 are known to be pathogenic (PMID: 19810120). For these reasons, this variant has been classified as Pathogenic.

NC_000011.10:g.(?_44096233)_(44130158_?)del

Gene: EXT2 (exostosin glycosyltransferase 2; plus strand). Cytogenetic location: 11p11.2.
Variant type: Deletion.
Identifiers: ClinVar variation 832079 (VCV000832079.1).